The following is an entry in ClinVar:

ClinVar aggregate classification (germline): Likely pathogenic (1 of 4 stars; one submission).

Conditions:
DLX5-related disorder. Also called: DLX5-related condition.

Submission:

PreventionGenetics, part of Exact Sciences
Classification: Likely pathogenic for DLX5-related condition. Last evaluated: 2022-11-23. Review status: criteria provided, single submitter. Criteria: ACMG Guidelines, 2015. Collection method: clinical testing. Allele origin: germline.
Comment: The DLX5 c.376G>T variant is predicted to result in premature protein termination (p.Glu126*). To our knowledge, this variant has not been reported in the literature or in a large population database, indicating this variant is rare. At least two truncating variants (p.Glu39* and p.Ala163Profs*55) in this gene have been reported to be pathogenic for Split hand/foot malformation (Sowińska-Seidler. 2014. PubMed ID: 25196357; Ullah and Khalid. 2016. PubMed ID: 27085093). In summary, this variant is interpreted as likely pathogenic.

NM_005221.6(DLX5):c.376G>T (p.Glu126Ter)

Gene: DLX5 (distal-less homeobox 5; minus strand). Cytogenetic location: 7q21.3.
Variant type: single nucleotide variant.
Coding change: c.376G>T on transcript NM_005221.6 (MANE Select); coding-DNA position 376, G replaced by T.
Protein change: p.Glu126Ter; replaces glutamic acid 126 with a stop codon.
Molecular consequence: nonsense.
Genome position (GRCh38, 1-based): chr7:97,022,349, C>A on the plus strand (G>T on the coding strand, the complement: DLX5 is on the minus strand). VCF-style: chr7-97022349-C-A. GRCh37 (hg19) VCF-style: chr7-96651661-C-A.
Other names: short protein forms E126*.
Identifiers: ClinVar variation 2635143 (VCV002635143.1), dbSNP rs2485521415, ClinGen allele CA368261725.
Genomic context (GRCh38, chr7:97,022,349, plus strand): 5'-TGGAATAAATAGTCCTGGGTTTACGAACTTTCTTTGGTTTGCCATTCACCATTCTCACCT[C>A]GGGCTCGGTCACTTCTTTCTCTAAATAATCAAAACAGACTCAGTTAAAGCTTGTCACCAG-3'